The following is an entry in ClinVar:

NM_005045.4(RELN):c.10189C>T (p.Arg3397Trp)

Genes: SLC26A5-AS1 (SLC26A5 antisense RNA 1; plus strand), RELN (reelin; minus strand). Cytogenetic location: 7q22.1.
Variant type: single nucleotide variant.
Coding change: c.10189C>T on transcript NM_005045.4 (MANE Select); coding-DNA position 10189, C replaced by T.
Protein change: p.Arg3397Trp; replaces arginine 3397 with tryptophan.
Molecular consequence: missense variant.
Genome position (GRCh38, 1-based): chr7:103,482,964, G>A on the plus strand (C>T on the coding strand, the complement: RELN is on the minus strand). VCF-style: chr7-103482964-G-A. GRCh37 (hg19) VCF-style: chr7-103123411-G-A.
Other names: c.10189C>T, p.Arg3397Trp (NM_173054.3); short protein forms R3397W.
Identifiers: ClinVar variation 2934356 (VCV002934356.3), dbSNP rs1403459087, ClinGen allele CA368737994.

ClinVar aggregate classification (germline): Uncertain significance (1 of 4 stars; one submission).

Conditions:
Familial temporal lobe epilepsy 7. Identifiers: Orphanet 101046, MedGen C4225327, MONDO:0014639, OMIM 616436.
Norman-Roberts syndrome (LIS2). Also called: Lissencephaly 2 (Norman-Roberts type). Identifiers: Orphanet 89844, MedGen C0796089, MONDO:0009760, OMIM 257320.

Allele frequency attached by ClinVar (database versions not stated): gnomAD exomes below 0.00001; gnomAD 0.00001; TOPMed 0.00001; 1000 Genomes Project 30x 0.00016.
gnomAD v4.1: 4 of 1,613,918 alleles (0.00025%); highest among the groups gnomAD compares: African/African-American, 0.0013%; no homozygotes.

Submission:

Labcorp Genetics (formerly Invitae), Labcorp
Classification: Uncertain significance for Familial temporal lobe epilepsy 7; Norman-Roberts syndrome. Last evaluated: 2024-01-20. Review status: criteria provided, single submitter. Criteria: Invitae Variant Classification Sherloc (09022015). Collection method: clinical testing. Allele origin: germline.
Comment: This sequence change replaces arginine, which is basic and polar, with tryptophan, which is neutral and slightly polar, at codon 3397 of the RELN protein (p.Arg3397Trp). This variant is not present in population databases (gnomAD no frequency). This variant has not been reported in the literature in individuals affected with RELN-related conditions. Advanced modeling of protein sequence and biophysical properties (such as structural, functional, and spatial information, amino acid conservation, physicochemical variation, residue mobility, and thermodynamic stability) performed at Invitae indicates that this missense variant is not expected to disrupt RELN protein function with a negative predictive value of 80%. In summary, the available evidence is currently insufficient to determine the role of this variant in disease. Therefore, it has been classified as a Variant of Uncertain Significance.